The following is an entry in ClinVar:

NM_000939.4(POMC):c.5C>T (p.Pro2Leu)

Gene: POMC (proopiomelanocortin; minus strand). Cytogenetic location: 2p23.3.
Variant type: single nucleotide variant.
Coding change: c.5C>T on transcript NM_000939.4 (MANE Select); coding-DNA position 5, C replaced by T.
Protein change: p.Pro2Leu; replaces proline 2 with leucine.
Molecular consequence: missense variant.
Genome position (GRCh38, 1-based): chr2:25,164,768, G>A on the plus strand (C>T on the coding strand, the complement: POMC is on the minus strand). VCF-style: chr2-25164768-G-A. GRCh37 (hg19) VCF-style: chr2-25387637-G-A.
Other names: c.5C>T, p.Pro2Leu (NM_001035256.3, NM_001319204.2, NM_001319205.2); short protein forms P2L.
Identifiers: ClinVar variation 3354160 (VCV003354160.1).

ClinVar aggregate classification (germline): Uncertain significance (0 of 4 stars; one submission).

Conditions:
POMC-related disorder. Also called: POMC-related disorders; POMC-related condition.

gnomAD v4.1: 11 of 1,613,790 alleles (0.00068%); highest among the groups gnomAD compares: South Asian, 0.0033%; no homozygotes.

Submission:

PreventionGenetics, part of Exact Sciences
Classification: Uncertain significance for POMC-related condition. Last evaluated: 2024-09-25. Review status: no assertion criteria provided. Collection method: clinical testing. Allele origin: germline.
Comment: The POMC c.5C>T variant is predicted to result in the amino acid substitution p.Pro2Leu. This variant was observed in a cohort of individuals with obesity, and in vitro functional studies showed function similar to wild-type levels (Supplemental Data Set, Shah et al. 2023. PubMed ID: 36864747). This variant has not been reported in a large population database, indicating this variant is rare. At this time, the clinical significance of this variant is uncertain due to the absence of conclusive functional and genetic evidence.